The following is an entry in ClinVar:

NM_014236.4(GNPAT):c.1019G>T (p.Gly340Val)

Gene: GNPAT (glyceronephosphate O-acyltransferase; plus strand). Cytogenetic location: 1q42.2.
Variant type: single nucleotide variant.
Coding change: c.1019G>T on transcript NM_014236.4 (MANE Select); coding-DNA position 1019, G replaced by T.
Protein change: p.Gly340Val; replaces glycine 340 with valine.
Molecular consequence: missense variant.
Genome position (GRCh38, 1-based): chr1:231,266,371, G>T. VCF-style: chr1-231266371-G-T. GRCh37 (hg19) VCF-style: chr1-231402117-G-T.
Other names: c.836G>T, p.Gly279Val (NM_001316350.2); short protein forms G279V, G340V.
Identifiers: ClinVar variation 1996952 (VCV001996952.1), dbSNP rs1180515381, ClinGen allele CA345235262.

ClinVar aggregate classification (germline): Uncertain significance (1 of 4 stars; one submission).

Allele frequency attached by ClinVar (database versions not stated): TOPMed below 0.00001.
gnomAD v4.1: 1 of 1,613,988 alleles (0.000062%); no homozygotes.

Submission:

Labcorp Genetics (formerly Invitae), Labcorp
Classification: Uncertain significance. Last evaluated: 2022-05-20. Review status: criteria provided, single submitter. Criteria: Invitae Variant Classification Sherloc (09022015). Collection method: clinical testing. Allele origin: germline.
Comment: This sequence change replaces glycine, which is neutral and non-polar, with valine, which is neutral and non-polar, at codon 340 of the GNPAT protein (p.Gly340Val). This variant is not present in population databases (gnomAD no frequency). This variant has not been reported in the literature in individuals affected with GNPAT-related conditions. Algorithms developed to predict the effect of missense changes on protein structure and function are either unavailable or do not agree on the potential impact of this missense change (SIFT: "Tolerated"; PolyPhen-2: "Probably Damaging"; Align-GVGD: "Class C0"). In summary, the available evidence is currently insufficient to determine the role of this variant in disease. Therefore, it has been classified as a Variant of Uncertain Significance.